The following is an entry in ClinVar:

ClinVar aggregate classification (germline): Uncertain significance (1 of 4 stars; one submission).

Submission:

Labcorp Genetics (formerly Invitae), Labcorp
Classification: Uncertain significance. Last evaluated: 2021-12-02. Review status: criteria provided, single submitter. Criteria: Invitae Variant Classification Sherloc (09022015). Collection method: clinical testing. Allele origin: germline.
Comment: In summary, the available evidence is currently insufficient to determine the role of this variant in disease. Therefore, it has been classified as a Variant of Uncertain Significance. This variant has not been reported in the literature in individuals affected with DEAF1-related conditions. This variant results in a copy number gain of the genomic region encompassing exon(s) 1-9 of the DEAF1 gene. This region includes the initiator codon of the gene. This copy number gain extends beyond the assayed region for this gene and therefore may encompass additional genes. As the precise location of this event is unknown, it may be in tandem or it may be located elsewhere in the genome.

NC_000011.9:g.(?_678674)_(838192_?)dup

Genes: RPLP2 (ribosomal protein lateral stalk subunit P2; plus strand), SLC25A22 (solute carrier family 25 member 22; minus strand), TALDO1 (transaldolase 1; plus strand), TMEM80 (transmembrane protein 80; plus strand), CD151 (CD151 molecule (Raph blood group); plus strand) and 7 more. Cytogenetic location: 11p15.5.
Variant type: Duplication.
Identifiers: ClinVar variation 1444884 (VCV001444884.5).